The following is an entry in ClinVar:

ClinVar aggregate classification (germline): Uncertain significance. Review status: criteria provided, multiple submitters, no conflicts (2 of 4 stars). 2 submissions from 2 submitters: Uncertain significance (2). Last evaluated 2025-03-27.

Conditions:
Holoprosencephaly 11 (HPE11). Identifiers: Orphanet 2162, MedGen C3280215, MONDO:0013642, OMIM 614226.

Allele frequency attached by ClinVar (database versions not stated): TOPMed 0.00006.

Submissions (2):

Labcorp Genetics (formerly Invitae), Labcorp
Classification: Uncertain significance for Holoprosencephaly 11. Last evaluated: 2025-03-27. Review status: criteria provided, single submitter. Criteria: Invitae Variant Classification Sherloc (09022015). Collection method: clinical testing. Allele origin: germline.
Comment: This sequence change replaces tyrosine, which is neutral and polar, with cysteine, which is neutral and slightly polar, at codon 1046 of the CDON protein (p.Tyr1046Cys). This variant is present in population databases (rs761608208, gnomAD 0.01%). This variant has not been reported in the literature in individuals affected with CDON-related conditions. ClinVar contains an entry for this variant (Variation ID: 879364). Invitae Evidence Modeling of protein sequence and biophysical properties (such as structural, functional, and spatial information, amino acid conservation, physicochemical variation, residue mobility, and thermodynamic stability) indicates that this missense variant is not expected to disrupt CDON protein function with a negative predictive value of 80%. In summary, the available evidence is currently insufficient to determine the role of this variant in disease. Therefore, it has been classified as a Variant of Uncertain Significance.

Illumina Laboratory Services, Illumina
Classification: Uncertain significance for Holoprosencephaly 11. Last evaluated: 2018-01-13. Review status: criteria provided, single submitter. Criteria: ICSL Variant Classification Criteria 13 December 2019. Collection method: clinical testing. Allele origin: germline.

NM_001378964.1(CDON):c.3137A>G (p.Tyr1046Cys)

Gene: CDON (cell adhesion associated, oncogene regulated; minus strand). Cytogenetic location: 11q24.2.
Variant type: single nucleotide variant.
Coding change: c.3137A>G on transcript NM_001378964.1 (MANE Select); coding-DNA position 3137, A replaced by G.
Protein change: p.Tyr1046Cys; replaces tyrosine 1046 with cysteine.
Molecular consequence: missense variant.
Genome position (GRCh38, 1-based): chr11:125,981,188, T>C on the plus strand (A>G on the coding strand, the complement: CDON is on the minus strand). VCF-style: chr11-125981188-T-C. GRCh37 (hg19) VCF-style: chr11-125851083-T-C.
Other names: c.3137A>G, p.Tyr1046Cys (NM_001243597.3, NM_016952.6); short protein forms Y1046C.
Identifiers: ClinVar variation 879364 (VCV000879364.5), dbSNP rs761608208, ClinGen allele CA230514776.